The following is an entry in ClinVar:

NM_001098.3(ACO2):c.2289T>G (p.Ile763Met)

Genes: ACO2 (aconitase 2; plus strand), POLR3H (RNA polymerase III subunit H; minus strand). Cytogenetic location: 22q13.2.
Variant type: single nucleotide variant.
Coding change: c.2289T>G on transcript NM_001098.3 (MANE Select); coding-DNA position 2289, T replaced by G.
Protein change: p.Ile763Met; replaces isoleucine 763 with methionine.
Molecular consequence: missense variant. On other transcripts: 3 prime UTR variant (5).
Genome position (GRCh38, 1-based): chr22:41,528,559, T>G. VCF-style: chr22-41528559-T-G. GRCh37 (hg19) VCF-style: chr22-41924563-T-G.
Other names: c.*724A>C (NM_138338.5, NM_001018050.4, NM_001018052.4 and 2 more transcripts); short protein forms I763M.
Identifiers: ClinVar variation 1377746 (VCV001377746.6), dbSNP rs1252076322, ClinGen allele CA411729695.

ClinVar aggregate classification (germline): Uncertain significance (1 of 4 stars; one submission).

Allele frequency attached by ClinVar (database versions not stated): gnomAD 0.00001; gnomAD exomes 0.00001; TOPMed 0.00001.
gnomAD v4.1: 11 of 1,612,976 alleles (0.00068%); no homozygotes.

Submission:

Labcorp Genetics (formerly Invitae), Labcorp
Classification: Uncertain significance. Last evaluated: 2021-11-23. Review status: criteria provided, single submitter. Criteria: Invitae Variant Classification Sherloc (09022015). Collection method: clinical testing. Allele origin: germline.
Comment: In summary, the available evidence is currently insufficient to determine the role of this variant in disease. Therefore, it has been classified as a Variant of Uncertain Significance. Algorithms developed to predict the effect of missense changes on protein structure and function are either unavailable or do not agree on the potential impact of this missense change (SIFT: "Deleterious"; PolyPhen-2: "Possibly Damaging"; Align-GVGD: "Class C0"). This variant has not been reported in the literature in individuals affected with ACO2-related conditions. This variant is present in population databases (no rsID available, gnomAD 0.03%). This sequence change replaces isoleucine, which is neutral and non-polar, with methionine, which is neutral and non-polar, at codon 763 of the ACO2 protein (p.Ile763Met).